The following is an entry in ClinVar:

ClinVar aggregate classification (germline): Uncertain significance. Review status: criteria provided, multiple submitters, no conflicts (2 of 4 stars). 4 submissions from 4 submitters: Uncertain significance (4). Last evaluated 2024-06-15.

Conditions:
Inborn genetic diseases. Identifiers: MedGen C0950123, MeSH D030342.
Developmental and epileptic encephalopathy, 18 (DEE18). Also called: Early infantile epileptic encephalopathy 18. Identifiers: Orphanet 369894, MedGen C3809624, MONDO:0014201, OMIM 615476.

Allele frequency attached by ClinVar (database versions not stated): ExAC 0.00002; gnomAD exomes 0.00002 and 0.00012; TOPMed 0.00003; gnomAD 0.00005.
gnomAD v4.1: 180 of 1,614,092 alleles (0.011%); highest among the groups gnomAD compares: Non-Finnish European, 0.015%; no homozygotes.

Submissions (4):

GeneDx
Classification: Uncertain significance. Last evaluated: 2024-06-15. Review status: criteria provided, single submitter. Criteria: GeneDx Variant Classification Process June 2021. Collection method: clinical testing. Allele origin: germline.
Comment: Not observed at significant frequency in large population cohorts (gnomAD); In silico analysis indicates that this missense variant does not alter protein structure/function; Has not been previously published as pathogenic or benign to our knowledge

Genome-Nilou Lab
Classification: Uncertain significance for Developmental and epileptic encephalopathy, 18. Last evaluated: 2023-04-11. Review status: criteria provided, single submitter. Criteria: ACMG Guidelines, 2015. Collection method: clinical testing. Allele origin: germline. Affected: no.

Labcorp Genetics (formerly Invitae), Labcorp
Classification: Uncertain significance. Last evaluated: 2021-09-23. Review status: criteria provided, single submitter. Criteria: Invitae Variant Classification Sherloc (09022015). Collection method: clinical testing. Allele origin: germline.
Comment: This sequence change replaces serine with alanine at codon 1359 of the SZT2 protein (p.Ser1359Ala). The serine residue is highly conserved and there is a moderate physicochemical difference between serine and alanine. This variant is present in population databases (rs760664038, ExAC 0.004%). This variant has not been reported in the literature in individuals affected with SZT2-related conditions. Algorithms developed to predict the effect of missense changes on protein structure and function (SIFT, PolyPhen-2, Align-GVGD) all suggest that this variant is likely to be tolerated. In summary, the available evidence is currently insufficient to determine the role of this variant in disease. Therefore, it has been classified as a Variant of Uncertain Significance.

Ambry Genetics
Classification: Uncertain significance for Inborn genetic diseases. Last evaluated: 2021-05-10. Review status: criteria provided, single submitter. Criteria: Ambry Variant Classification Scheme 2023. Collection method: clinical testing. Allele origin: germline.

NM_001365999.1(SZT2):c.4246T>G (p.Ser1416Ala)

Gene: SZT2 (SZT2 subunit of KICSTOR complex; plus strand). Cytogenetic location: 1p34.2.
Variant type: single nucleotide variant.
Coding change: c.4246T>G on transcript NM_001365999.1 (MANE Select); coding-DNA position 4246, T replaced by G.
Protein change: p.Ser1416Ala; replaces serine 1416 with alanine.
Molecular consequence: missense variant.
Genome position (GRCh38, 1-based): chr1:43,429,782, T>G. VCF-style: chr1-43429782-T-G. GRCh37 (hg19) VCF-style: chr1-43895453-T-G.
Other names: c.4075T>G (NM_015284.3); c.4075T>G, p.Ser1359Ala (NM_015284.4); short protein forms S1416A, S1359A.
Identifiers: ClinVar variation 1412151 (VCV001412151.6), dbSNP rs760664038, ClinGen allele CA809225.